The following is an entry in ClinVar:

ClinVar aggregate classification (germline): Likely benign. Review status: criteria provided, multiple submitters, no conflicts (2 of 4 stars). 2 submissions from 2 submitters: Likely benign (2). Last evaluated 2026-01-01.

Submissions (2):

CeGaT Center for Human Genetics Tuebingen
Classification: Likely benign. Last evaluated: 2026-01-01. Review status: criteria provided, single submitter. Criteria: CeGaT Center For Human Genetics Tuebingen Variant Classification Criteria Version 2. Collection method: clinical testing. Allele origin: germline. Affected: yes. Observed: 1 variant allele.
Comment: AHNAK2: BP4

Ambry Genetics
Classification: Likely benign. Last evaluated: 2025-07-31. Review status: criteria provided, single submitter. Criteria: Ambry Variant Classification Scheme 2023. Collection method: clinical testing. Allele origin: germline.

NM_138420.4(AHNAK2):c.3967G>A (p.Ala1323Thr)

Gene: AHNAK2 (AHNAK nucleoprotein 2; minus strand). Cytogenetic location: 14q32.33.
Variant type: single nucleotide variant.
Coding change: c.3967G>A on transcript NM_138420.4 (MANE Select); coding-DNA position 3967, G replaced by A.
Protein change: p.Ala1323Thr; replaces alanine 1323 with threonine.
Molecular consequence: missense variant.
Genome position (GRCh38, 1-based): chr14:104,951,484, C>T on the plus strand (G>A on the coding strand, the complement: AHNAK2 is on the minus strand). VCF-style: chr14-104951484-C-T. GRCh37 (hg19) VCF-style: chr14-105417821-C-T.
Other names: c.3667G>A, p.Ala1223Thr (NM_001350929.2); short protein forms A1323T, A1223T.
Identifiers: ClinVar variation 4257253 (VCV004257253.5).